The following is an entry in ClinVar:

NM_001009994.3(RIPPLY2):c.141AGA[1] (p.Glu50del)

Genes: RIPPLY2 (ripply transcriptional repressor 2; plus strand), RIPPLY2-CYB5R4 (RIPPLY2-CYB5R4 readthrough; plus strand). Cytogenetic location: 6q14.2.
Variant type: Microsatellite.
Coding change: c.141AGA[1] on transcript NM_001009994.3 (MANE Select); one copy of the 3-base unit AGA starting at c.141; the reference has two copies in a row; one copy, 3 bases deleted.
Protein change: p.Glu50del; deletes glutamic acid 50.
Molecular consequence: inframe deletion. On other transcripts: 5 prime UTR variant (2), non-coding transcript variant (5).
Genome position (GRCh38, 1-based): chr6:83,853,743-83,853,745, AGA deleted; deleting any 3 consecutive bases within chr6:83,853,739-83,853,745 gives the same sequence; the position shown is the placement nearest the transcript's 3' end. VCF-style (leftmost placement, unchanged base first): chr6-83853738-AAAG-A. GRCh37 (hg19) VCF-style: chr6-84563457-AAAG-A.
Other names: c.-126AGA[1] (NM_001400774.1); c.-120AGA[1] (NM_001400899.1); c.141AGA[1], p.Glu50del (NM_001400900.1); short protein forms E50del.
Identifiers: ClinVar variation 2109467 (VCV002109467.4), dbSNP rs763210523, ClinGen allele CA3908834.

ClinVar aggregate classification (germline): Uncertain significance (1 of 4 stars; one submission).

Submission:

Labcorp Genetics (formerly Invitae), Labcorp
Classification: Uncertain significance. Last evaluated: 2022-03-11. Review status: criteria provided, single submitter. Criteria: Invitae Variant Classification Sherloc (09022015). Collection method: clinical testing. Allele origin: germline.
Comment: In summary, the available evidence is currently insufficient to determine the role of this variant in disease. Therefore, it has been classified as a Variant of Uncertain Significance. Experimental studies and prediction algorithms are not available or were not evaluated, and the functional significance of this variant is currently unknown. This variant has not been reported in the literature in individuals affected with RIPPLY2-related conditions. This variant is present in population databases (rs763210523, gnomAD 0.0009%). This variant, c.144_146del, results in the deletion of 1 amino acid(s) of the RIPPLY2 protein (p.Glu50del), but otherwise preserves the integrity of the reading frame.